The following is an entry in ClinVar:

NM_199420.4(POLQ):c.7514G>A (p.Arg2505Gln)

Gene: POLQ (DNA polymerase theta; minus strand). Cytogenetic location: 3q13.33.
Variant type: single nucleotide variant.
Coding change: c.7514G>A on transcript NM_199420.4 (MANE Select); coding-DNA position 7514, G replaced by A.
Protein change: p.Arg2505Gln; replaces arginine 2505 with glutamine.
Molecular consequence: missense variant.
Genome position (GRCh38, 1-based): chr3:121,436,151, C>T on the plus strand (G>A on the coding strand, the complement: POLQ is on the minus strand). VCF-style: chr3-121436151-C-T. GRCh37 (hg19) VCF-style: chr3-121154998-C-T.
Other names: short protein forms R2505Q.
Identifiers: ClinVar variation 2449453 (VCV002449453.2), dbSNP rs761979819, ClinGen allele CA2562164.

ClinVar aggregate classification (germline): Uncertain significance (1 of 4 stars; one submission).

Allele frequency attached by ClinVar (database versions not stated): ExAC 0.00001.
gnomAD v4.1: 2 of 1,613,812 alleles (0.00012%); highest among the groups gnomAD compares: South Asian, 0.0011%; no homozygotes.

Submission:

Ambry Genetics
Classification: Uncertain significance. Last evaluated: 2022-12-23. Review status: criteria provided, single submitter. Criteria: Ambry Variant Classification Scheme 2023. Collection method: clinical testing. Allele origin: germline.
Comment: The p.R2505Q variant (also known as c.7514G>A), located in coding exon 28 of the POLQ gene, results from a G to A substitution at nucleotide position 7514. The arginine at codon 2505 is replaced by glutamine, an amino acid with highly similar properties. This amino acid position is conserved. In addition, this alteration is predicted to be tolerated by in silico analysis. Since supporting evidence is limited at this time, the clinical significance of this alteration remains unclear.